The following is an entry in ClinVar:

ClinVar aggregate classification (germline): Pathogenic. Review status: criteria provided, multiple submitters, no conflicts (2 of 4 stars). 2 submissions from 2 submitters: Pathogenic (2). Last evaluated 2023-08-22.

Conditions:
Hereditary nonpolyposis colorectal neoplasms. Identifiers: MedGen C0009405, MeSH D003123.
Lynch syndrome 5 (LYNCH5). Also called: Hereditary non-polyposis colorectal cancer, type 5; Colorectal cancer, hereditary nonpolyposis, type 5. Identifiers: Orphanet 144, MedGen C1833477, MONDO:0013710, OMIM 614350. Disease mechanism: loss of function.

Submissions (2):

Myriad Genetics, Inc.
Classification: Pathogenic for Lynch syndrome 5. Last evaluated: 2023-08-22. Review status: criteria provided, single submitter. Criteria: Myriad Autosomal Dominant, Autosomal Recessive and X-Linked Classification Criteria (2023). Collection method: clinical testing. Allele origin: unknown.
Comment: This variant is considered pathogenic. This variant creates a frameshift predicted to result in premature protein truncation.

Labcorp Genetics (formerly Invitae), Labcorp
Classification: Pathogenic for Hereditary nonpolyposis colorectal neoplasms. Last evaluated: 2017-11-30. Review status: criteria provided, single submitter. Criteria: Invitae Variant Classification Sherloc (09022015). Collection method: clinical testing. Allele origin: germline.
Comment: Loss-of-function variants in MSH6 are known to be pathogenic (PMID: 18269114, 24362816). This variant has not been reported in the literature in individuals with MSH6-related disease. This variant is not present in population databases (ExAC no frequency). This sequence change creates a premature translational stop signal (p.Met1033Glyfs*18) in the MSH6 gene. It is expected to result in an absent or disrupted protein product. For these reasons, this variant has been classified as Pathogenic.

Literature cited by the submitters: PubMed 18269114 (cited by Labcorp Genetics (formerly Invitae), Labcorp); PubMed 24362816 (cited by Labcorp Genetics (formerly Invitae), Labcorp).

NM_000179.3(MSH6):c.3097_3100del (p.Met1033fs)

Gene: MSH6 (mutS homolog 6; plus strand). Cytogenetic location: 2p16.3.
Variant type: Deletion.
Coding change: c.3097_3100del on transcript NM_000179.3 (MANE Select); coding-DNA positions 3097 to 3100, 4 bases deleted (ATGC; older notation c.3097_3100delATGC).
Protein change: p.Met1033fs; shifts the reading frame from methionine 1033.
Molecular consequence: frameshift variant.
Genome position (GRCh38, 1-based): chr2:47,801,080-47,801,083, ATGC deleted; deleting any 4 consecutive bases within chr2:47,801,077-47,801,083 gives the same sequence; the c. name uses the placement nearest the transcript's 3' end. VCF-style (leftmost placement, unchanged base first): chr2-47801076-CTGCA-C. GRCh37 (hg19) VCF-style: chr2-48028215-CTGCA-C.
Other names: c.3097_3100delATGC (NM_000179.2); c.2707_2710del, p.Met903fs (NM_001281492.2); c.2191_2194del, p.Met731fs (NM_001281493.2, NM_001281494.2); short protein forms M731fs, M1033fs, M903fs.
Identifiers: ClinVar variation 525854 (VCV000525854.8), dbSNP rs1553414498, ClinGen allele CA658795734.